The following is an entry in ClinVar:

NM_000540.3(RYR1):c.6800T>G (p.Met2267Arg)

Gene: RYR1 (ryanodine receptor 1; plus strand). Cytogenetic location: 19q13.2.
Variant type: single nucleotide variant.
Coding change: c.6800T>G on transcript NM_000540.3 (MANE Select); coding-DNA position 6800, T replaced by G.
Protein change: p.Met2267Arg; replaces methionine 2267 with arginine.
Molecular consequence: missense variant.
Genome position (GRCh38, 1-based): chr19:38,496,863, T>G. VCF-style: chr19-38496863-T-G. GRCh37 (hg19) VCF-style: chr19-38987503-T-G.
Other names: c.6800T>G, p.Met2267Arg (NM_001042723.2); short protein forms M2267R.
Identifiers: ClinVar variation 3393782 (VCV003393782.1).

ClinVar aggregate classification (germline): Uncertain significance (1 of 4 stars; one submission).

Submission:

GeneDx
Classification: Uncertain significance. Last evaluated: 2024-06-30. Review status: criteria provided, single submitter. Criteria: GeneDx Variant Classification Process June 2021. Collection method: clinical testing. Allele origin: germline. Affected: yes.
Comment: Not observed at significant frequency in large population cohorts (gnomAD); In silico analysis supports that this missense variant has a deleterious effect on protein structure/function; Has not been previously published as pathogenic or benign to our knowledge; In silico analysis suggests this variant may impact gene splicing. In the absence of RNA/functional studies, the actual effect of this sequence change is unknown; This variant is associated with the following publications: (PMID: 12668474, 33767344)